The following is an entry in ClinVar:

ClinVar aggregate classification (germline): Pathogenic. Review status: criteria provided, multiple submitters, no conflicts (2 of 4 stars). 2 submissions from 2 submitters: Pathogenic (2). Last evaluated 2023-09-12.

Conditions:
Hereditary cancer-predisposing syndrome. Also called: Neoplastic Syndromes, Hereditary; Tumor predisposition; Hereditary Cancer Syndrome; Hereditary neoplastic syndrome. Identifiers: Orphanet 140162, MedGen C0027672, MeSH D009386, MONDO:0015356.
Familial cancer of breast. Also called: BREAST CANCER, FAMILIAL; Hereditary breast cancer; hereditary breast carcinoma. Identifiers: Orphanet 227535, MedGen C0346153, MONDO:0016419, OMIM 114480. Disease mechanism: loss of function.

Submissions (2):

Myriad Genetics, Inc.
Classification: Pathogenic for Familial cancer of breast. Last evaluated: 2023-09-12. Review status: criteria provided, single submitter. Criteria: Myriad Autosomal Dominant, Autosomal Recessive and X-Linked Classification Criteria (2023). Collection method: clinical testing. Allele origin: unknown.
Comment: This variant is considered pathogenic. This variant creates a frameshift predicted to result in premature protein truncation.

Ambry Genetics
Classification: Pathogenic for Hereditary cancer-predisposing syndrome. Last evaluated: 2022-01-20. Review status: criteria provided, single submitter. Criteria: Ambry Variant Classification Scheme 2023. Collection method: clinical testing. Allele origin: germline.
Comment: The c.2183delT pathogenic mutation, located in coding exon 5 of the PALB2 gene, results from a deletion of one nucleotide at nucleotide position 2183, causing a translational frameshift with a predicted alternate stop codon (p.F728Sfs*4). This variant is considered to be rare based on population cohorts in the Genome Aggregation Database (gnomAD). This alteration is expected to result in loss of function by premature protein truncation or nonsense-mediated mRNA decay. As such, this alteration is interpreted as a disease-causing mutation.

NM_024675.4(PALB2):c.2183del (p.Phe728fs)

Gene: PALB2 (partner and localizer of BRCA2; minus strand). Cytogenetic location: 16p12.2.
Variant type: Deletion.
Coding change: c.2183del on transcript NM_024675.4 (MANE Select); coding-DNA position 2183, one base deleted (T; older notation c.2183delT).
Protein change: p.Phe728fs; shifts the reading frame from phenylalanine 728.
Molecular consequence: frameshift variant.
Genome position (GRCh38, 1-based): chr16:23,629,971, A deleted on the plus strand (T on the coding strand, the reverse complement: PALB2 is on the minus strand); the first of 3 consecutive A bases (chr16:23,629,971-23,629,973); deleting any one gives the same sequence. VCF-style (leftmost placement, unchanged base first): chr16-23629970-GA-G. GRCh37 (hg19) VCF-style: chr16-23641291-GA-G.
Other names: c.2121delT, p.Phe708Serfs (NM_001407296.1); c.2181delT, p.Phe728Serfs (NM_001407297.1, NM_001407298.1, NM_001407299.1 and 3 more transcripts); c.1296delT, p.Phe433Serfs (NM_001407304.1, NM_001407305.1, NM_001407306.1 and 5 more transcripts); c.393delT, p.Phe132Serfs (NM_001407312.1, NM_001407313.1); c.2183delT (NM_024675.3); short protein forms F728fs.
Identifiers: ClinVar variation 1787297 (VCV001787297.3), dbSNP rs2506418702, ClinGen allele CA2580091361.